The following is an entry in ClinVar:

ClinVar aggregate classification (germline): Conflicting classifications of pathogenicity. Review status: criteria provided, conflicting classifications (1 of 4 stars). 3 submissions from 3 submitters: Uncertain significance (1); Likely benign (2). Last evaluated 2025-10-01.

Conditions:
AGXT-related disorder. Also called: AGXT-related condition.
Primary hyperoxaluria, type I (HP1). Also called: HEPATIC AGT DEFICIENCY; Primary hyperoxaluria type 1; GLYCOLIC ACIDURIA; OXALOSIS I. Identifiers: Orphanet 416, Orphanet 93598, MedGen C0268164, MONDO:0009823, OMIM 259900. Disease mechanism: loss of function.

Allele frequency attached by ClinVar (database versions not stated): TOPMed 0.00001; ESP Exome Variant Server 0.00015.
gnomAD v4.1: 26 of 1,612,822 alleles (0.0016%); highest among the groups gnomAD compares: Non-Finnish European, 0.0022%; no homozygotes.

Submissions (3):

PreventionGenetics, part of Exact Sciences
Classification: Likely benign for AGXT-related condition. Last evaluated: 2025-10-01. Review status: criteria provided, single submitter. Criteria: ACMG Guidelines, 2015. Collection method: clinical testing. Allele origin: germline.
Comment: This variant is classified as likely benign based on ACMG/AMP sequence variant interpretation guidelines (Richards et al. 2015 PMID: 25741868, with internal and published modifications).

Labcorp Genetics (formerly Invitae), Labcorp
Classification: Likely benign. Last evaluated: 2024-01-25. Review status: criteria provided, single submitter. Criteria: Invitae Variant Classification Sherloc (09022015). Collection method: clinical testing. Allele origin: germline.

Illumina Laboratory Services, Illumina
Classification: Uncertain significance for Primary hyperoxaluria, type I. Last evaluated: 2018-01-13. Review status: criteria provided, single submitter. Criteria: ICSL Variant Classification Criteria 13 December 2019. Collection method: clinical testing. Allele origin: germline.

NM_000030.3(AGXT):c.1065G>C (p.Thr355=)

Gene: AGXT (alanine--glyoxylate aminotransferase; plus strand). Cytogenetic location: 2q37.3.
Variant type: single nucleotide variant.
Coding change: c.1065G>C on transcript NM_000030.3 (MANE Select); coding-DNA position 1065, G replaced by C.
Protein change: p.Thr355=; no amino-acid change (threonine 355 retained).
Molecular consequence: synonymous variant.
Genome position (GRCh38, 1-based): chr2:240,878,144, G>C. VCF-style: chr2-240878144-G-C. GRCh37 (hg19) VCF-style: chr2-241817561-G-C.
Identifiers: ClinVar variation 897124 (VCV000897124.13), dbSNP rs143488099, ClinGen allele CA2209393.